The following is an entry in ClinVar:

NM_001267550.2(TTN):c.90106G>T (p.Asp30036Tyr)

Genes: TTN (titin; minus strand), TTN-AS1 (TTN antisense RNA 1; plus strand). Cytogenetic location: 2q31.2.
Variant type: single nucleotide variant.
Coding change: c.90106G>T on transcript NM_001267550.2 (MANE Select); coding-DNA position 90106, G replaced by T.
Protein change: p.Asp30036Tyr; replaces aspartic acid 30036 with tyrosine.
Molecular consequence: missense variant.
Genome position (GRCh38, 1-based): chr2:178,552,794, C>A on the plus strand (G>T on the coding strand, the complement: TTN is on the minus strand). VCF-style: chr2-178552794-C-A. GRCh37 (hg19) VCF-style: chr2-179417521-C-A.
Other names: p.Asp27468Tyr; c.85183G>T, p.Asp28395Tyr (NM_001256850.1); c.62911G>T, p.Asp20971Tyr (NM_003319.4); c.82402G>T, p.Asp27468Tyr (NM_133378.4); c.63286G>T, p.Asp21096Tyr (NM_133432.3); c.63487G>T, p.Asp21163Tyr (NM_133437.4); short protein forms D27468Y, D30036Y, D21163Y, D28395Y, D20971Y, D21096Y.
Identifiers: ClinVar variation 1752662 (VCV001752662.3), dbSNP rs959063938, ClinGen allele CA60977921.

ClinVar aggregate classification (germline): Uncertain significance. Review status: criteria provided, multiple submitters, no conflicts (2 of 4 stars). 2 submissions from 2 submitters: Uncertain significance (2). Last evaluated 2024-02-12.

Conditions:
Cardiovascular phenotype. Identifiers: MedGen CN230736.

Allele frequency attached by ClinVar (database versions not stated): gnomAD exomes below 0.00001.
gnomAD v4.1: 4 of 1,613,876 alleles (0.00025%); highest among the groups gnomAD compares: East Asian, 0.0045%; no homozygotes.

Submissions (2):

Mayo Clinic Laboratories, Mayo Clinic
Classification: Uncertain significance. Last evaluated: 2024-02-12. Review status: criteria provided, single submitter. Criteria: ACMG Guidelines, 2015. Collection method: clinical testing. Allele origin: germline. Observed: 1 variant allele.
Comment: PM2

Ambry Genetics
Classification: Uncertain significance for Cardiovascular phenotype. Last evaluated: 2020-01-30. Review status: criteria provided, single submitter. Criteria: Ambry Variant Classification Scheme 2023. Collection method: clinical testing. Allele origin: germline.
Comment: The p.D20971Y variant (also known as c.62911G>T), located in coding exon 162 of the TTN gene, results from a G to T substitution at nucleotide position 62911. The aspartic acid at codon 20971 is replaced by tyrosine, an amino acid with highly dissimilar properties. This amino acid position is well conserved in available vertebrate species. In addition, the in silico prediction for this alteration is inconclusive. Since supporting evidence is limited at this time, the clinical significance of this alteration remains unclear.